The following is an entry in ClinVar:

ClinVar aggregate classification (germline): Benign. Review status: criteria provided, multiple submitters, no conflicts (2 of 4 stars). 3 submissions from 3 submitters: Benign (3). Last evaluated 2018-06-28.

Conditions:
Mucopolysaccharidosis, MPS-III-D (MPS3D). Also called: MPS IIID (Sanfilippo Syndrome Type D); MPS III D; Mucopoly-saccharidosis type 3D; N-acetylglucosamine-6-sulfate sulfatase deficiency; MPS 3D; N-ACETYLGLUCOSAMINE-6-SULFATASE DEFICIENCY. Identifiers: Orphanet 581, Orphanet 79272, MedGen C0086650, MONDO:0009658, OMIM 252940.

Allele frequency attached by ClinVar (database versions not stated): gnomAD 0.21554 and 0.21062; gnomAD exomes 0.28025; 1000 Genomes Project 30x 0.19066; 1000 Genomes Project 0.19529; TOPMed 0.20316.
gnomAD v4.1: 129,494 of 497,690 alleles (26%); highest among the groups gnomAD compares: South Asian, 32%; 18,825 homozygotes.

Submissions (3):

GeneDx
Classification: Benign. Last evaluated: 2018-06-28. Review status: criteria provided, single submitter. Criteria: GeneDx Variant Classification Process June 2021. Collection method: clinical testing. Allele origin: germline. Affected: yes.

Illumina Laboratory Services, Illumina
Classification: Benign for Mucopolysaccharidosis, MPS-III-D. Last evaluated: 2018-01-12. Review status: criteria provided, single submitter. Criteria: ICSL Variant Classification Criteria 13 December 2019. Collection method: clinical testing. Allele origin: germline.
Comment: This variant was observed in the ICSL laboratory as part of a predisposition screen in an ostensibly healthy population. It had not been previously curated by ICSL or reported in the Human Gene Mutation Database (HGMD: prior to June 1st, 2018), and was therefore a candidate for classification through an automated scoring system. Utilizing variant allele frequency, disease prevalence and penetrance estimates, and inheritance mode, an automated score was calculated to assess if this variant is too frequent to cause the disease. Based on the score and internal cut-off values, a variant classified as benign is not then subjected to further curation. The score for this variant resulted in a classification of benign for this disease.

Breakthrough Genomics
Classification: Benign. Review status: criteria provided, single submitter. Criteria: ACMG Guidelines, 2015. Collection method: not provided. Allele origin: germline. Inheritance: Autosomal recessive inheritance. Affected: yes.

NM_002076.4(GNS):c.*269C>T

Gene: GNS (glucosamine (N-acetyl)-6-sulfatase; minus strand). Cytogenetic location: 12q14.3.
Variant type: single nucleotide variant.
Coding change: c.*269C>T on transcript NM_002076.4 (MANE Select); 269 bases downstream of the stop codon, C replaced by T.
Molecular consequence: 3 prime UTR variant.
Genome position (GRCh38, 1-based): chr12:64,716,472, G>A on the plus strand (C>T on the coding strand, the complement: GNS is on the minus strand). VCF-style: chr12-64716472-G-A. GRCh37 (hg19) VCF-style: chr12-65110252-G-A.
Identifiers: ClinVar variation 310202 (VCV000310202.8), dbSNP rs2279597, ClinGen allele CA10638349.